The following is an entry in ClinVar:

ClinVar aggregate classification (germline): Uncertain significance (1 of 4 stars; one submission).

Submission:

Labcorp Genetics (formerly Invitae), Labcorp
Classification: Uncertain significance. Last evaluated: 2023-05-19. Review status: criteria provided, single submitter. Criteria: Invitae Variant Classification Sherloc (09022015). Collection method: clinical testing. Allele origin: unknown.
Comment: In summary, the available evidence is currently insufficient to determine the role of this variant in disease. Therefore, it has been classified as a Variant of Uncertain Significance. Experimental studies and prediction algorithms are not available or were not evaluated, and the functional significance of this variant is currently unknown. This variant has not been reported in the literature in individuals affected with BRWD3-related conditions. This variant results in a copy number gain of the genomic region encompassing exon(s) 7-41 of the BRWD3 gene. This region includes the termination codon of the gene. This copy number gain extends beyond the assayed region for this gene and therefore may encompass additional genes. As the precise location of this event is unknown, it may be in tandem or it may be located elsewhere in the genome.

NC_000023.10:g.(?_79932108)_(80001248_?)dup

Gene: BRWD3 (bromodomain and WD repeat domain containing 3; minus strand). Cytogenetic location: Xq21.1.
Variant type: Duplication.
Identifiers: ClinVar variation 3246927 (VCV003246927.1).